The following is an entry in ClinVar:

NM_001367624.2(ZNF469):c.5576C>T (p.Pro1859Leu)

Gene: ZNF469 (zinc finger protein 469; plus strand). Cytogenetic location: 16q24.2.
Variant type: single nucleotide variant.
Coding change: c.5576C>T on transcript NM_001367624.2 (MANE Select); coding-DNA position 5576, C replaced by T.
Protein change: p.Pro1859Leu; replaces proline 1859 with leucine.
Molecular consequence: missense variant.
Genome position (GRCh38, 1-based): chr16:88,433,046, C>T. VCF-style: chr16-88433046-C-T. GRCh37 (hg19) VCF-style: chr16-88499454-C-T.
Other names: NM_001127464.1:c.5492C>T; NM_001127464.2:c.5492C>T; short protein forms P1859L.
Identifiers: ClinVar variation 1192767 (VCV001192767.16), dbSNP rs575524015, ClinGen allele CA8225091.

ClinVar aggregate classification (germline): Benign/Likely benign. Review status: criteria provided, multiple submitters, no conflicts (2 of 4 stars). 5 submissions from 5 submitters: Benign (1); Likely benign (4). Last evaluated 2026-01-28.

Conditions:
Cardiovascular phenotype. Identifiers: MedGen CN230736.
ZNF469-related disorder. Also called: ZNF469-related condition.

Allele frequency attached by ClinVar (database versions not stated): gnomAD exomes 0.00012 and 0.00025; ExAC 0.00043; 1000 Genomes Project 0.00060; 1000 Genomes Project 30x 0.00062; gnomAD 0.00104 and 0.00110; TOPMed 0.00119.
gnomAD v4.1: 322 of 1,550,374 alleles (0.021%); highest among the groups gnomAD compares: African/African-American, 0.39%; 2 homozygotes.

Submissions (5):

Labcorp Genetics (formerly Invitae), Labcorp
Classification: Likely benign. Last evaluated: 2026-01-28. Review status: criteria provided, single submitter. Criteria: Invitae Variant Classification Sherloc (09022015). Collection method: clinical testing. Allele origin: germline.

Women's Health and Genetics/Laboratory Corporation of America, LabCorp
Classification: Likely benign. Last evaluated: 2025-04-22. Review status: criteria provided, single submitter. Criteria: LabCorp Variant Classification Summary - May 2015. Collection method: clinical testing. Allele origin: germline.
Comment: Variant summary: ZNF469 c.5576C>T (p.Pro1859Leu) results in a non-conservative amino acid change in the encoded protein sequence. Two of four in-silico tools predict a benign effect of the variant on protein function. The variant allele was found at a frequency of 0.00025 in 150706 control chromosomes, predominantly at a frequency of 0.0047 within the African or African-American subpopulation in the gnomAD database. The observed variant frequency within African or African-American control individuals in the gnomAD database exceeds the estimated maximal expected allele frequency for a pathogenic variant in ZNF469 causing Brittle cornea syndrome 1 phenotype. To our knowledge, no occurrence of c.5576C>T in individuals affected with Brittle cornea syndrome 1 and no experimental evidence demonstrating its impact on protein function have been reported. ClinVar contains an entry for this variant (Variation ID: 1192767). Based on the evidence outlined above, the variant was classified as likely benign.

PreventionGenetics, part of Exact Sciences
Classification: Likely benign for ZNF469-related condition. Last evaluated: 2024-11-04. Review status: criteria provided, single submitter. Criteria: ACMG Guidelines, 2015. Collection method: clinical testing. Allele origin: germline.
Comment: This variant is classified as likely benign based on ACMG/AMP sequence variant interpretation guidelines (Richards et al. 2015 PMID: 25741868, with internal and published modifications).

Ambry Genetics
Classification: Benign for Cardiovascular phenotype. Last evaluated: 2023-01-06. Review status: criteria provided, single submitter. Criteria: Ambry Variant Classification Scheme 2023. Collection method: clinical testing. Allele origin: germline.

GeneDx
Classification: Likely benign. Last evaluated: 2019-07-29. Review status: criteria provided, single submitter. Criteria: GeneDx Variant Classification Process June 2021. Collection method: clinical testing. Allele origin: germline. Affected: yes.